The following is an entry in ClinVar:

NM_020928.2(ZSWIM6):c.142G>A (p.Ala48Thr)

Gene: ZSWIM6 (zinc finger SWIM-type containing 6; plus strand). Cytogenetic location: 5q12.1.
Variant type: single nucleotide variant.
Coding change: c.142G>A on transcript NM_020928.2 (MANE Select); coding-DNA position 142, G replaced by A.
Protein change: p.Ala48Thr; replaces alanine 48 with threonine.
Molecular consequence: missense variant.
Genome position (GRCh38, 1-based): chr5:61,332,414, G>A. VCF-style: chr5-61332414-G-A. GRCh37 (hg19) VCF-style: chr5-60628241-G-A.
Other names: c.142G>A (NM_020928.1); short protein forms A48T.
Identifiers: ClinVar variation 1385698 (VCV001385698.9), dbSNP rs1244678082, ClinGen allele CA359940067.

ClinVar aggregate classification (germline): Uncertain significance. Review status: criteria provided, multiple submitters, no conflicts (2 of 4 stars). 2 submissions from 2 submitters: Uncertain significance (2). Last evaluated 2025-08-10.

Conditions:
Inborn genetic diseases. Identifiers: MedGen C0950123, MeSH D030342.

Allele frequency attached by ClinVar (database versions not stated): gnomAD 0.00001.
gnomAD v4.1: 2 of 997,488 alleles (0.0002%); highest among the groups gnomAD compares: Non-Finnish European, 0.00024%; no homozygotes.

Submissions (2):

Ambry Genetics
Classification: Uncertain significance for Inborn genetic diseases. Last evaluated: 2025-08-10. Review status: criteria provided, single submitter. Criteria: Ambry Variant Classification Scheme 2023. Collection method: clinical testing. Allele origin: germline.

Labcorp Genetics (formerly Invitae), Labcorp
Classification: Uncertain significance. Last evaluated: 2022-03-19. Review status: criteria provided, single submitter. Criteria: Invitae Variant Classification Sherloc (09022015). Collection method: clinical testing. Allele origin: germline.
Comment: This sequence change replaces alanine, which is neutral and non-polar, with threonine, which is neutral and polar, at codon 48 of the ZSWIM6 protein (p.Ala48Thr). The frequency data for this variant in the population databases is considered unreliable, as metrics indicate insufficient coverage at this position in the gnomAD database. This variant has not been reported in the literature in individuals affected with ZSWIM6-related conditions. Algorithms developed to predict the effect of missense changes on protein structure and function are either unavailable or do not agree on the potential impact of this missense change (SIFT: "Tolerated"; PolyPhen-2: "Not Available"; Align-GVGD: "Class C0"). In summary, the available evidence is currently insufficient to determine the role of this variant in disease. Therefore, it has been classified as a Variant of Uncertain Significance.